The following is an entry in ClinVar:

ClinVar aggregate classification (germline): Conflicting classifications of pathogenicity. Review status: criteria provided, conflicting classifications (1 of 4 stars). 6 submissions from 6 submitters: Uncertain significance (2); Likely benign (2). 2 of the submissions do not count toward it. Last evaluated 2025-12-23.

Conditions:
Cone-rod dystrophy 7 (CORD7). Identifiers: Orphanet 1872, MedGen C1863634, MONDO:0011355, OMIM 603649.

Allele frequency attached by ClinVar (database versions not stated): gnomAD exomes 0.00004 and 0.00008; gnomAD 0.00007; TOPMed 0.00007; ESP Exome Variant Server 0.00008; 1000 Genomes Project 30x 0.00031; ExAC 0.00031.
gnomAD v4.1: 80 of 1,560,860 alleles (0.0051%); highest among the groups gnomAD compares: Admixed American, 0.0038%; no homozygotes.

Submissions (6):

Labcorp Genetics (formerly Invitae), Labcorp
Classification: Likely benign. Last evaluated: 2025-12-23. Review status: criteria provided, single submitter. Criteria: Invitae Variant Classification Sherloc (09022015). Collection method: clinical testing. Allele origin: germline.

Ambry Genetics
Classification: Uncertain significance. Last evaluated: 2025-06-18. Review status: criteria provided, single submitter. Criteria: Ambry Variant Classification Scheme 2023. Collection method: clinical testing. Allele origin: germline.

Blueprint Genetics
Classification: Uncertain significance. Last evaluated: 2024-04-19. Review status: criteria provided, single submitter. Criteria: ACMG Guidelines, 2015. Collection method: clinical testing. Allele origin: germline.

Illumina Laboratory Services, Illumina
Classification: Likely benign for Cone-rod dystrophy 7. Last evaluated: 2018-01-12. Review status: criteria provided, single submitter. Criteria: ICSL Variant Classification Criteria 13 December 2019. Collection method: clinical testing. Allele origin: germline.
Comment: This variant was observed in the ICSL laboratory as part of a predisposition screen in an ostensibly healthy population. It had not been previously curated by ICSL or reported in the Human Gene Mutation Database (HGMD: prior to June 1st, 2018), and was therefore a candidate for classification through an automated scoring system. Utilizing variant allele frequency, disease prevalence and penetrance estimates, and inheritance mode, an automated score was calculated to assess if this variant is too frequent to cause the disease. Based on the score and internal cut-off values, a variant classified as likely benign is not then subjected to further curation. The score for this variant resulted in a classification of likely benign for this disease.

Clinical Genetics DNA and cytogenetics Diagnostics Lab, Erasmus MC, Erasmus Medical Center
Classification: Likely benign. Review status: no assertion criteria provided. Collection method: clinical testing. Allele origin: germline. Affected: yes. Study: VKGL Data-share Consensus. Not counted in ClinVar's aggregate classification.

Clinical Genetics, Academic Medical Center
Classification: Likely benign. Review status: no assertion criteria provided. Collection method: clinical testing. Allele origin: germline. Affected: yes. Study: VKGL Data-share Consensus. Not counted in ClinVar's aggregate classification.

NM_014989.7(RIMS1):c.3758C>T (p.Pro1253Leu)

Gene: RIMS1 (regulating synaptic membrane exocytosis 1; plus strand). Cytogenetic location: 6q13.
Variant type: single nucleotide variant.
Coding change: c.3758C>T on transcript NM_014989.7 (MANE Select); coding-DNA position 3758, C replaced by T.
Protein change: p.Pro1253Leu; replaces proline 1253 with leucine.
Molecular consequence: missense variant.
Genome position (GRCh38, 1-based): chr6:72,291,954, C>T. VCF-style: chr6-72291954-C-T. GRCh37 (hg19) VCF-style: chr6-73001657-C-T.
Other names: c.3758C>T (NM_014989.4); c.1718C>T, p.Pro573Leu (NM_001168407.2, NM_001350422.2); c.1649C>T, p.Pro550Leu (NM_001168408.2, NM_001350414.2, NM_001350430.2 and 2 more transcripts); c.1478C>T, p.Pro493Leu (NM_001168409.2, NM_001350469.2); c.1676C>T, p.Pro559Leu (NM_001168410.2); c.1802C>T, p.Pro601Leu (NM_001350415.2, NM_001350445.2); c.1721C>T, p.Pro574Leu (NM_001350416.2, NM_001350417.2, NM_001350448.2); c.1724C>T, p.Pro575Leu (NM_001350418.2); and 32 more; short protein forms P417L, P442L, P492L, P522L, P523L, P526L, P527L, P535L.
Identifiers: ClinVar variation 911362 (VCV000911362.17), dbSNP rs367601102, ClinGen allele CA3886349.
Genomic context (GRCh38, chr6:72,291,954, plus strand): 5'-AATTTCATTGTTTCATGCCCGCTTTGCTTTTTGCCTGCAGAATGCACCGACAGAGAAGTC[C>T]AACACAATCTCCTCCAGCAGACACATCGTTCAGCAGTCGCAGGGGAAGACAGCTCCCACA-3'
Protein context (NP_055804.2, residues 1243-1263): LLTRMHRQRS[Pro1253Leu]TQSPPADTSF